The following is an entry in ClinVar:

ClinVar aggregate classification (germline): Uncertain significance (1 of 4 stars; one submission).

Submission:

GeneDx
Classification: Uncertain significance. Last evaluated: 2025-06-10. Review status: criteria provided, single submitter. Criteria: GeneDx Variant Classification Process June 2021. Collection method: clinical testing. Allele origin: germline. Affected: yes.
Comment: Not observed at significant frequency in large population cohorts (gnomAD); Missense variants in this gene are a common cause of disease and they are underrepresented in the general population; In silico analysis supports that this missense variant has a deleterious effect on protein structure/function; Has not been previously published as pathogenic or benign to our knowledge; This variant is associated with the following publications: (PMID: 29493581)

NM_005633.4(SOS1):c.2930A>C (p.Gln977Pro)

Gene: SOS1 (SOS Ras/Rac guanine nucleotide exchange factor 1; minus strand). Cytogenetic location: 2p22.1.
Variant type: single nucleotide variant.
Coding change: c.2930A>C on transcript NM_005633.4 (MANE Select); coding-DNA position 2930, A replaced by C.
Protein change: p.Gln977Pro; replaces glutamine 977 with proline.
Molecular consequence: missense variant.
Genome position (GRCh38, 1-based): chr2:38,997,287, T>G on the plus strand (A>C on the coding strand, the complement: SOS1 is on the minus strand). VCF-style: chr2-38997287-T-G. GRCh37 (hg19) VCF-style: chr2-39224428-T-G.
Other names: c.2909A>C, p.Gln970Pro (NM_001382394.1); c.2930A>C, p.Gln977Pro (NM_001382395.1); short protein forms Q970P, Q977P.
Identifiers: ClinVar variation 4538131 (VCV004538131.1).